The following is an entry in ClinVar:

NC_000011.10:g.5225416C>T

Genes: HBB (hemoglobin subunit beta; minus strand), LOC107133510 (origin of replication at HBB; plus strand), LOC110006319 (beta-globin gene 3' regulatory region; plus strand). Cytogenetic location: 11p15.4.
Variant type: single nucleotide variant.
Genome position: GRCh38 VCF-style: chr11-5225416-C-T. GRCh37 (hg19) VCF-style: chr11-5246646-C-T.
Other names: CAP +1656 G>A.
Identifiers: ClinVar variation 702013 (VCV000702013.20), dbSNP rs113969885, ClinGen allele CA217112021.
Genomic context (GRCh38, chr11:5,225,416, plus strand): 5'-GTATTTTCCCAAGGTTTGAACTAGCTCTTCATTTCTTTATGTTTTAAATGCACTGACCTC[C>T]CACATTCCCTTTTTAGTAAAATATTCAGAAATAATTTAAATACATCATTGCAATGAAAAT-3'

ClinVar aggregate classification (germline): Benign. Review status: reviewed by expert panel (3 of 4 stars). 5 submissions from 5 submitters: Benign (1). 4 of the submissions do not count toward it. Last evaluated 2026-04-30.

Conditions:
Beta-thalassemia HBB/LCRB. Identifiers: MedGen CN322236, MONDO:0013517, OMIM 613985.
beta Thalassemia (BTHAL). Also called: Cooley's anemia; Erythroblastic anemia; Mediterranean anemia. Identifiers: Orphanet 848, MedGen C0005283, MONDO:0019402. Disease mechanism: loss of function.

Allele frequency attached by ClinVar (database versions not stated): 1000 Genomes Project 30x 0.01343; gnomAD 0.01596 and 0.01480; gnomAD exomes 0.00179; 1000 Genomes Project 0.01298; TOPMed 0.01579.

Submissions (5):

ClinGen Hemoglobinopathy Variant Curation Expert Panel, ClinGen
Classification: Benign for Beta-thalassemia HBB/LCRB. Last evaluated: 2026-04-30. Review status: reviewed by expert panel. Criteria: ClinGen Hb Opathy ACMG Specifications HBB V1.0.0. Collection method: curation. Allele origin: germline. Inheritance: Autosomal recessive inheritance.
Comment: The c.*182G>A variant is found within the 3' UTR of the HBB gene. The highest population minor allele frequency in gnomAD v4.1 is 0.04892 (2778/55030 alleles) in African/African-American, which is higher than the ClinGen Hemoglobinopathy VCEP threshold (≥0.005) for BA1, and therefore meets this criterion [BA1]. The results from two in silico predictors, CADD (PHRED score 1.194 ; VCEP threshold ≤11) and SpliceAI (Δ score 0.08; VCEP threshold ≤0.3), suggest that this variant is not expected to impact HBB function [BP4]. In summary, this variant meets criteria to be classified as benign for recessive beta-thalassemia HBB/LCRB (MONDO:0013517) based on the ACMG/AMP criteria applied, as specified by the ClinGen Hemoglobinopathy VCEP (specification version 1.0.0): BA1, BP4.

Labcorp Genetics (formerly Invitae), Labcorp
Classification: Benign. Last evaluated: 2026-02-04. Review status: criteria provided, single submitter. Criteria: Invitae Variant Classification Sherloc (09022015). Collection method: clinical testing. Allele origin: germline. Not counted in ClinVar's aggregate classification.

ARUP Laboratories, Molecular Genetics and Genomics, ARUP Laboratories
Classification: Benign. Last evaluated: 2018-07-23. Review status: criteria provided, single submitter. Criteria: ARUP Molecular Germline Variant Investigation Process. Collection method: clinical testing. Allele origin: germline. Not counted in ClinVar's aggregate classification.

Breakthrough Genomics
Classification: Benign. Review status: criteria provided, single submitter. Criteria: ACMG Guidelines, 2015. Collection method: not provided. Allele origin: germline. Inheritance: Autosomal recessive inheritance. Affected: yes. Not counted in ClinVar's aggregate classification.

The ITHANET community portal, The Cyprus Institute of Neurology and Genetics
Classification: Benign for beta Thalassemia. Last evaluated: 2019-11-25. Review status: no assertion criteria provided. Collection method: curation. Allele origin: germline. Not counted in ClinVar's aggregate classification.

Literature cited by the submitters: PubMed 24401016 (cited by The ITHANET community portal, The Cyprus Institute of Neurology and Genetics).